The following is an entry in ClinVar:

ClinVar aggregate classification (germline): Likely benign. Review status: criteria provided, multiple submitters, no conflicts (2 of 4 stars). 3 submissions from 3 submitters: Likely benign (3). Last evaluated 2025-08-06.

Allele frequency attached by ClinVar (database versions not stated): gnomAD 0.00012 and 0.00014; TOPMed 0.00013; ESP Exome Variant Server 0.00015; gnomAD exomes 0.00018 and 0.00027; ExAC 0.00044.
gnomAD v4.1: 294 of 1,613,218 alleles (0.018%); highest among the groups gnomAD compares: Non-Finnish European, 0.021%; no homozygotes.

Submissions (3):

Labcorp Genetics (formerly Invitae), Labcorp
Classification: Likely benign. Last evaluated: 2025-08-06. Review status: criteria provided, single submitter. Criteria: Invitae Variant Classification Sherloc (09022015). Collection method: clinical testing. Allele origin: germline.

Blueprint Genetics
Classification: Likely benign. Last evaluated: 2024-09-05. Review status: criteria provided, single submitter. Criteria: ACMG Guidelines, 2015. Collection method: clinical testing. Allele origin: germline.

CeGaT Center for Human Genetics Tuebingen
Classification: Likely benign. Last evaluated: 2023-03-01. Review status: criteria provided, single submitter. Criteria: CeGaT Center For Human Genetics Tuebingen Variant Classification Criteria Version 2. Collection method: clinical testing. Allele origin: germline. Affected: yes. Observed: 2 variant alleles.
Comment: SLC1A4: BP4, BP7

NM_003038.5(SLC1A4):c.666C>T (p.Asn222=)

Gene: SLC1A4 (solute carrier family 1 member 4; plus strand). Cytogenetic location: 2p14.
Variant type: single nucleotide variant.
Coding change: c.666C>T on transcript NM_003038.5 (MANE Select); coding-DNA position 666, C replaced by T.
Protein change: p.Asn222=; no amino-acid change (asparagine 222 retained).
Molecular consequence: synonymous variant.
Genome position (GRCh38, 1-based): chr2:65,010,629, C>T. VCF-style: chr2-65010629-C-T. GRCh37 (hg19) VCF-style: chr2-65237763-C-T.
Other names: c.6C>T, p.Asn2= (NM_001193493.2, NM_001348406.2, NM_001348407.2).
Identifiers: ClinVar variation 1597512 (VCV001597512.33), dbSNP rs149232575, ClinGen allele CA1685951.